The following is an entry in ClinVar:

ClinVar aggregate classification (germline): Benign/Likely benign. Review status: criteria provided, single submitter (1 of 4 stars). 3 submissions from 1 submitter: Benign (2); Likely benign (1). Last evaluated 2018-01-13.

Conditions:
Atrial fibrillation, familial, 9 (ATFB9). Identifiers: MedGen C3151431, MONDO:0013513, OMIM 613980.
Short QT syndrome type 3. Identifiers: Orphanet 51083, MedGen C1865018, MONDO:0012314, OMIM 609622.
Andersen Tawil syndrome (LQT7). Also called: Potassium-sensitive periodic paralysis, ventricular ectopy, and dysmorphic features; ANDERSEN CARDIODYSRHYTHMIC PERIODIC PARALYSIS; LONG QT SYNDROME 7; PERIODIC PARALYSIS, POTASSIUM-SENSITIVE CARDIODYSRHYTHMIC TYPE; Andersen Syndrome. Identifiers: Orphanet 37553, MedGen C1563715, MONDO:0008222, OMIM 170390.

Allele frequency attached by ClinVar (database versions not stated): gnomAD 0.00033; TOPMed 0.00060; 1000 Genomes Project 30x 0.00250; 1000 Genomes Project 0.00280.

Submissions (3):

Illumina Laboratory Services, Illumina
Classification: Benign for Short QT syndrome type 3. Last evaluated: 2018-01-13. Review status: criteria provided, single submitter. Criteria: ICSL Variant Classification Criteria 13 December 2019. Collection method: clinical testing. Allele origin: germline.
Comment: This variant was observed in the ICSL laboratory as part of a predisposition screen in an ostensibly healthy population. It had not been previously curated by ICSL or reported in the Human Gene Mutation Database (HGMD: prior to June 1st, 2018), and was therefore a candidate for classification through an automated scoring system. Utilizing variant allele frequency, disease prevalence and penetrance estimates, and inheritance mode, an automated score was calculated to assess if this variant is too frequent to cause the disease. Based on the score and internal cut-off values, a variant classified as benign is not then subjected to further curation. The score for this variant resulted in a classification of benign for this disease.

Illumina Laboratory Services, Illumina
Classification: Likely benign for Atrial fibrillation, familial, 9. Last evaluated: 2018-01-13. Review status: criteria provided, single submitter. Criteria: ICSL Variant Classification Criteria 13 December 2019. Collection method: clinical testing. Allele origin: germline.
Comment: This variant was observed in the ICSL laboratory as part of a predisposition screen in an ostensibly healthy population. It had not been previously curated by ICSL or reported in the Human Gene Mutation Database (HGMD: prior to June 1st, 2018), and was therefore a candidate for classification through an automated scoring system. Utilizing variant allele frequency, disease prevalence and penetrance estimates, and inheritance mode, an automated score was calculated to assess if this variant is too frequent to cause the disease. Based on the score and internal cut-off values, a variant classified as likely benign is not then subjected to further curation. The score for this variant resulted in a classification of likely benign for this disease.

Illumina Laboratory Services, Illumina
Classification: Benign for Andersen Tawil syndrome. Last evaluated: 2018-01-13. Review status: criteria provided, single submitter. Criteria: ICSL Variant Classification Criteria 13 December 2019. Collection method: clinical testing. Allele origin: germline.
Comment: the same text as in the submission from Illumina Laboratory Services, Illumina above.

NM_000891.3(KCNJ2):c.*1125G>A

Gene: KCNJ2 (potassium inwardly rectifying channel subfamily J member 2; plus strand). Cytogenetic location: 17q24.3.
Variant type: single nucleotide variant.
Coding change: c.*1125G>A on transcript NM_000891.3 (MANE Select); 1125 bases downstream of the stop codon, G replaced by A.
Molecular consequence: 3 prime UTR variant.
Genome position (GRCh38, 1-based): chr17:70,177,448, G>A. VCF-style: chr17-70177448-G-A. GRCh37 (hg19) VCF-style: chr17-68173589-G-A.
Identifiers: ClinVar variation 324850 (VCV000324850.5), dbSNP rs191729421, ClinGen allele CA10646625.
Genomic context (GRCh38, chr17:70,177,448, plus strand): 5'-TTTCCTTTTGCACATTCCAAAATTCATTTCATAAGACAAGATCTTCATAGGACCTCCTTG[G>A]CATCCTGGCATTCTCAAAACTGAGCCATCCAGCATGAAAGATAAATGGGTTTAAACCCTT-3'